The following is an entry in ClinVar:

ClinVar aggregate classification (germline): Uncertain significance (1 of 4 stars; one submission).

Conditions:
Short-rib thoracic dysplasia 8 with or without polydactyly (SRTD8). Also called: SHORT-RIB THORACIC DYSPLASIA 8 WITH POLYDACTYLY. Identifiers: Orphanet 93271, MedGen C3809691, MONDO:0014214, OMIM 615503.

Allele frequency attached by ClinVar (database versions not stated): gnomAD exomes 0.00001.
gnomAD v4.1: 3 of 1,574,902 alleles (0.00019%); highest among the groups gnomAD compares: South Asian, 0.0035%; no homozygotes.

Submission:

Labcorp Genetics (formerly Invitae), Labcorp
Classification: Uncertain significance for Short-rib thoracic dysplasia 8 with or without polydactyly. Last evaluated: 2022-06-23. Review status: criteria provided, single submitter. Criteria: Invitae Variant Classification Sherloc (09022015). Collection method: clinical testing. Allele origin: germline.
Comment: In summary, the available evidence is currently insufficient to determine the role of this variant in disease. Therefore, it has been classified as a Variant of Uncertain Significance. Algorithms developed to predict the effect of missense changes on protein structure and function output the following: SIFT: "Deleterious"; PolyPhen-2: "Benign"; Align-GVGD: "Class C0". The arginine amino acid residue is found in multiple mammalian species, which suggests that this missense change does not adversely affect protein function. This variant has not been reported in the literature in individuals affected with WDR60-related conditions. This variant is not present in population databases (gnomAD no frequency). This sequence change replaces glycine, which is neutral and non-polar, with arginine, which is basic and polar, at codon 1062 of the WDR60 protein (p.Gly1062Arg).

NM_018051.5(DYNC2I1):c.3184G>A (p.Gly1062Arg)

Gene: DYNC2I1 (dynein 2 intermediate chain 1; plus strand). Cytogenetic location: 7q36.3.
Variant type: single nucleotide variant.
Coding change: c.3184G>A on transcript NM_018051.5 (MANE Select); coding-DNA position 3184, G replaced by A.
Protein change: p.Gly1062Arg; replaces glycine 1062 with arginine.
Molecular consequence: missense variant.
Genome position (GRCh38, 1-based): chr7:158,945,762, G>A. VCF-style: chr7-158945762-G-A. GRCh37 (hg19) VCF-style: chr7-158738453-G-A.
Other names: c.3046G>A, p.Gly1016Arg (NM_001350914.2); c.2611G>A, p.Gly871Arg (NM_001350915.2); c.1723G>A, p.Gly575Arg (NM_001350916.2); c.1936G>A, p.Gly646Arg (NM_001350917.2, NM_001350918.2); short protein forms G1016R, G575R, G1062R, G871R, G646R.
Identifiers: ClinVar variation 2009578 (VCV002009578.4), dbSNP rs2536584981, ClinGen allele CA370193353.